The following is an entry in ClinVar:

ClinVar aggregate classification (germline): Benign. Review status: criteria provided, multiple submitters, no conflicts (2 of 4 stars). 3 submissions from 3 submitters: Benign (2). 1 of the submissions does not count toward it. Last evaluated 2018-07-04.

Conditions:
ZNF750-related disorder. Also called: ZNF750-related condition.

Allele frequency attached by ClinVar (database versions not stated): TOPMed 0.00260; 1000 Genomes Project 30x 0.00593; 1000 Genomes Project 0.00699; ESP Exome Variant Server 0.00031; gnomAD 0.00258.
gnomAD v4.1: 1,240 of 1,614,148 alleles (0.077%); highest among the groups gnomAD compares: East Asian, 2.1%; 32 homozygotes.

Submissions (3):

Labcorp Genetics (formerly Invitae), Labcorp
Classification: Benign. Last evaluated: 2018-07-04. Review status: criteria provided, single submitter. Criteria: Invitae Variant Classification Sherloc (09022015). Collection method: clinical testing. Allele origin: germline.

Breakthrough Genomics
Classification: Benign. Review status: criteria provided, single submitter. Criteria: ACMG Guidelines, 2015. Collection method: not provided. Allele origin: germline. Inheritance: Unknown mechanism. Affected: yes.

PreventionGenetics, part of Exact Sciences
Classification: Benign for ZNF750-related condition. Last evaluated: 2019-10-22. Review status: no assertion criteria provided. Collection method: clinical testing. Allele origin: germline. Not counted in ClinVar's aggregate classification.
Comment: This variant is classified as benign based on ACMG/AMP sequence variant interpretation guidelines (Richards et al. 2015 PMID: 25741868, with internal and published modifications).

NM_024702.3(ZNF750):c.1305C>G (p.Asn435Lys)

Genes: TBCD (tubulin folding cofactor D), ZNF750 (zinc finger protein 750; minus strand). Cytogenetic location: 17q25.3.
Variant type: single nucleotide variant.
Coding change: c.1305C>G on transcript NM_024702.3 (MANE Select); coding-DNA position 1305, C replaced by G.
Protein change: p.Asn435Lys; replaces asparagine 435 with lysine.
Molecular consequence: missense variant. On other transcripts: intron variant (3).
Genome position (GRCh38, 1-based): chr17:82,831,150, G>C on the plus strand (C>G on the coding strand, the complement: ZNF750 is on the minus strand). VCF-style: chr17-82831150-G-C. GRCh37 (hg19) VCF-style: chr17-80789026-G-C.
Other names: c.1318+16216G>C (NM_005993.5, NM_001411102.1); c.1267+16216G>C (NM_001411101.1); short protein forms N435K.
Identifiers: ClinVar variation 717465 (VCV000717465.6), dbSNP rs138391103, ClinGen allele CA8862243.